The following is an entry in ClinVar:

NM_172351.3(CD46):c.615G>C (p.Glu205Asp)

Gene: CD46 (CD46 molecule; plus strand). Cytogenetic location: 1q32.2.
Variant type: single nucleotide variant.
Coding change: c.615G>C on transcript NM_172351.3 (MANE Select); coding-DNA position 615, G replaced by C.
Protein change: p.Glu205Asp; replaces glutamic acid 205 with aspartic acid.
Molecular consequence: missense variant.
Genome position (GRCh38, 1-based): chr1:207,761,388, G>C. VCF-style: chr1-207761388-G-C. GRCh37 (hg19) VCF-style: chr1-207934733-G-C.
Other names: c.615G>C, p.Glu205Asp (NM_002389.4, NM_153826.4, NM_172350.3 and 8 more transcripts); short protein forms E205D.
Identifiers: ClinVar variation 2114525 (VCV002114525.4), dbSNP rs1262119392, ClinGen allele CA344549134.

ClinVar aggregate classification (germline): Uncertain significance (1 of 4 stars; one submission).

gnomAD v4.1: 1 of 1,614,100 alleles (0.000062%); highest among the groups gnomAD compares: Admixed American, 0.0017%; no homozygotes.

Submission:

Labcorp Genetics (formerly Invitae), Labcorp
Classification: Uncertain significance. Last evaluated: 2025-03-10. Review status: criteria provided, single submitter. Criteria: Invitae Variant Classification Sherloc (09022015). Collection method: clinical testing. Allele origin: germline.
Comment: This sequence change replaces glutamic acid, which is acidic and polar, with aspartic acid, which is acidic and polar, at codon 205 of the CD46 protein (p.Glu205Asp). This variant is not present in population databases (gnomAD no frequency). This variant has not been reported in the literature in individuals affected with CD46-related conditions. ClinVar contains an entry for this variant (Variation ID: 2114525). Invitae Evidence Modeling of protein sequence and biophysical properties (such as structural, functional, and spatial information, amino acid conservation, physicochemical variation, residue mobility, and thermodynamic stability) indicates that this missense variant is not expected to disrupt CD46 protein function with a negative predictive value of 80%. In summary, the available evidence is currently insufficient to determine the role of this variant in disease. Therefore, it has been classified as a Variant of Uncertain Significance.